The following is an entry in ClinVar:

ClinVar aggregate classification (germline): Uncertain significance (1 of 4 stars; one submission).

Conditions:
Immunodeficiency, common variable, 2 (CVID2). Also called: HYPOGAMMAGLOBULINEMIA DUE TO TACI DEFICIENCY; ANTIBODY DEFICIENCY DUE TO TACI DEFECT. Identifiers: Orphanet 1572, MedGen C3150354, MONDO:0009413, OMIM 240500.

Allele frequency attached by ClinVar (database versions not stated): gnomAD 0.00001.
gnomAD v4.1: 1 of 1,614,104 alleles (0.000062%); highest among the groups gnomAD compares: African/African-American, 0.0013%; no homozygotes.

Submission:

Labcorp Genetics (formerly Invitae), Labcorp
Classification: Uncertain significance for Immunodeficiency, common variable, 2. Last evaluated: 2022-01-28. Review status: criteria provided, single submitter. Criteria: Invitae Variant Classification Sherloc (09022015). Collection method: clinical testing. Allele origin: germline.
Comment: This variant is present in population databases (no rsID available, gnomAD 0.01%). This sequence change replaces arginine, which is basic and polar, with lysine, which is basic and polar, at codon 119 of the TNFRSF13B protein (p.Arg119Lys). This variant has not been reported in the literature in individuals affected with TNFRSF13B-related conditions. In summary, the available evidence is currently insufficient to determine the role of this variant in disease. Therefore, it has been classified as a Variant of Uncertain Significance. Algorithms developed to predict the effect of missense changes on protein structure and function output the following: SIFT: "Tolerated"; PolyPhen-2: "Benign"; Align-GVGD: "Class C0". The lysine amino acid residue is found in multiple mammalian species, which suggests that this missense change does not adversely affect protein function. ClinVar contains an entry for this variant (Variation ID: 951487).

NM_012452.3(TNFRSF13B):c.356G>A (p.Arg119Lys)

Gene: TNFRSF13B (TNF receptor superfamily member 13B; minus strand). Cytogenetic location: 17p11.2.
Variant type: single nucleotide variant.
Coding change: c.356G>A on transcript NM_012452.3 (MANE Select); coding-DNA position 356, G replaced by A.
Protein change: p.Arg119Lys; replaces arginine 119 with lysine.
Molecular consequence: missense variant.
Genome position (GRCh38, 1-based): chr17:16,948,827, C>T on the plus strand (G>A on the coding strand, the complement: TNFRSF13B is on the minus strand). VCF-style: chr17-16948827-C-T. GRCh37 (hg19) VCF-style: chr17-16852141-C-T.
Other names: short protein forms R119K.
Identifiers: ClinVar variation 951487 (VCV000951487.6), dbSNP rs1432445886, ClinGen allele CA398519924.
Genomic context (GRCh38, chr17:16,948,827, plus strand): 5'-AATCCTTGGTACCTTCCCGAGTTGTCTGAATTGTTTTCAACTTCTCCACTCCGCTGTCTC[C>T]TGAGCTCTGGTGGAAGGTTCACTGGGCTCCTGAGCTTGTTCTCACAGAAGTATGCACATT-3'
Protein context (NP_036584.1, residues 109-129): RSPVNLPPEL[Arg119Lys]RQRSGEVENN